The following is an entry in ClinVar:

ClinVar aggregate classification (germline): Uncertain significance. Review status: criteria provided, multiple submitters, no conflicts (2 of 4 stars). 4 submissions from 4 submitters: Uncertain significance (4). Last evaluated 2025-12-03.

Conditions:
Inborn genetic diseases. Identifiers: MedGen C0950123, MeSH D030342.
Joubert syndrome 23 (JBTS23). Identifiers: Orphanet 475, MedGen C4084822, MONDO:0014664, OMIM 616490.
Short-rib thoracic dysplasia 14 with polydactyly (SRTD14). Identifiers: Orphanet 397715, MedGen C4225286, MONDO:0014688, OMIM 616546.

Allele frequency attached by ClinVar (database versions not stated): ExAC 0.00009; gnomAD 0.00001; TOPMed 0.00002; gnomAD exomes 0.00003.
gnomAD v4.1: 17 of 1,518,396 alleles (0.0011%); highest among the groups gnomAD compares: Middle Eastern, 0.034%; no homozygotes.

Submissions (4):

Ambry Genetics
Classification: Uncertain significance for Inborn genetic diseases. Last evaluated: 2025-12-03. Review status: criteria provided, single submitter. Criteria: Ambry Variant Classification Scheme 2023. Collection method: clinical testing. Allele origin: germline.

Labcorp Genetics (formerly Invitae), Labcorp
Classification: Uncertain significance for Joubert syndrome 23; Short-rib thoracic dysplasia 14 with polydactyly. Last evaluated: 2023-07-10. Review status: criteria provided, single submitter. Criteria: Invitae Variant Classification Sherloc (09022015). Collection method: clinical testing. Allele origin: germline.
Comment: This sequence change replaces methionine, which is neutral and non-polar, with leucine, which is neutral and non-polar, at codon 583 of the KIAA0586 protein (p.Met583Leu). This variant is present in population databases (rs747120591, gnomAD 0.009%). This variant has not been reported in the literature in individuals affected with KIAA0586-related conditions. ClinVar contains an entry for this variant (Variation ID: 1422948). Advanced modeling of protein sequence and biophysical properties (such as structural, functional, and spatial information, amino acid conservation, physicochemical variation, residue mobility, and thermodynamic stability) performed at Invitae indicates that this missense variant is not expected to disrupt KIAA0586 protein function. In summary, the available evidence is currently insufficient to determine the role of this variant in disease. Therefore, it has been classified as a Variant of Uncertain Significance.

GeneDx
Classification: Uncertain significance. Last evaluated: 2022-04-13. Review status: criteria provided, single submitter. Criteria: GeneDx Variant Classification Process June 2021. Collection method: clinical testing. Allele origin: germline. Affected: yes.
Comment: In silico analysis supports that this missense variant does not alter protein structure/function; Has not been previously published as pathogenic or benign to our knowledge

Breakthrough Genomics
Classification: Uncertain significance. Review status: criteria provided, single submitter. Criteria: ACMG Guidelines, 2015. Collection method: not provided. Allele origin: germline. Inheritance: Autosomal recessive inheritance. Affected: yes.

NM_001329943.3(KIAA0586):c.1588A>T (p.Met530Leu)

Gene: KIAA0586 (KIAA0586; plus strand). Cytogenetic location: 14q23.1.
Variant type: single nucleotide variant.
Coding change: c.1588A>T on transcript NM_001329943.3 (MANE Select); coding-DNA position 1588, A replaced by T.
Protein change: p.Met530Leu; replaces methionine 530 with leucine.
Molecular consequence: missense variant.
Genome position (GRCh38, 1-based): chr14:58,458,477, A>T. VCF-style: chr14-58458477-A-T. GRCh37 (hg19) VCF-style: chr14-58925195-A-T.
Other names: c.1588A>T (NM_014749.3); c.1747A>T, p.Met583Leu (NM_001244189.2); c.1543A>T, p.Met515Leu (NM_001244190.2); c.1333A>T, p.Met445Leu (NM_001244191.2, NM_001329945.2, NM_001364700.1 and 1 more transcripts); c.1456A>T, p.Met486Leu (NM_001244192.2); c.1168A>T, p.Met390Leu (NM_001244193.2); c.1588A>T, p.Met530Leu (NM_001329944.2, NM_001329946.2, NM_001329947.2 and 1 more transcripts); short protein forms M515L, M390L, M445L, M486L, M583L, M530L.
Identifiers: ClinVar variation 1422948 (VCV001422948.7), dbSNP rs747120591, ClinGen allele CA7205702.